The following is an entry in ClinVar:

NM_000553.6(WRN):c.1589C>T (p.Pro530Leu)

Gene: WRN (WRN RecQ like helicase; plus strand). Cytogenetic location: 8p12.
Variant type: single nucleotide variant.
Coding change: c.1589C>T on transcript NM_000553.6 (MANE Select); coding-DNA position 1589, C replaced by T.
Protein change: p.Pro530Leu; replaces proline 530 with leucine.
Molecular consequence: missense variant.
Genome position (GRCh38, 1-based): chr8:31,088,902, C>T. VCF-style: chr8-31088902-C-T. GRCh37 (hg19) VCF-style: chr8-30946418-C-T.
Other names: short protein forms P530L.
Identifiers: ClinVar variation 1510141 (VCV001510141.6), dbSNP rs2130163552, ClinGen allele CA370926083.

ClinVar aggregate classification (germline): Uncertain significance (1 of 4 stars; one submission).

Conditions:
Werner syndrome (WRN). Identifiers: Orphanet 902, MedGen C0043119, MONDO:0010196, OMIM 277700.

Submission:

Labcorp Genetics (formerly Invitae), Labcorp
Classification: Uncertain significance for Werner syndrome. Last evaluated: 2021-11-24. Review status: criteria provided, single submitter. Criteria: Invitae Variant Classification Sherloc (09022015). Collection method: clinical testing. Allele origin: germline.
Comment: Algorithms developed to predict the effect of missense changes on protein structure and function are either unavailable or do not agree on the potential impact of this missense change (SIFT: "Not Available"; PolyPhen-2: "Probably Damaging"; Align-GVGD: "Not Available"). In summary, the available evidence is currently insufficient to determine the role of this variant in disease. Therefore, it has been classified as a Variant of Uncertain Significance. This variant has not been reported in the literature in individuals affected with WRN-related conditions. This sequence change replaces proline, which is neutral and non-polar, with leucine, which is neutral and non-polar, at codon 530 of the WRN protein (p.Pro530Leu). This variant is not present in population databases (gnomAD no frequency).